The following is an entry in ClinVar:

NM_000540.3(RYR1):c.5506_5507del (p.Phe1836fs)

Gene: RYR1 (ryanodine receptor 1; plus strand). Cytogenetic location: 19q13.2.
Variant type: Deletion.
Coding change: c.5506_5507del on transcript NM_000540.3 (MANE Select); coding-DNA positions 5506 to 5507, 2 bases deleted (TT; older notation c.5506_5507delTT).
Protein change: p.Phe1836fs; shifts the reading frame from phenylalanine 1836.
Molecular consequence: frameshift variant.
Genome position (GRCh38, 1-based): chr19:38,486,161-38,486,162, TT deleted. VCF-style (leftmost placement, unchanged base first): chr19-38486160-GTT-G. GRCh37 (hg19) VCF-style: chr19-38976800-GTT-G.
Other names: c.5506_5507del, p.Phe1836fs (NM_001042723.2); short protein forms F1836fs.
Identifiers: ClinVar variation 3070802 (VCV003070802.1), dbSNP rs2514230959, ClinGen allele CA2825002784.

ClinVar aggregate classification (germline): Uncertain significance (1 of 4 stars; one submission).

Conditions:
Malignant hyperthermia, susceptibility to, 1 (MHS1). Also called: Anesthesia related hyperthermia; Malignant hyperpyrexia; Fulminating hyperpyrexia; Pharmacogenic myopathy; RYR1-Related Malignant Hyperthermia Susceptibility; Malignant hyperthermia suceptibility 1. Identifiers: Orphanet 423, MedGen C2930980, MONDO:0007783, OMIM 145600.

Submission:

All of Us Research Program, National Institutes of Health
Classification: Uncertain significance for Malignant hyperthermia, susceptibility to, 1. Last evaluated: 2023-05-04. Review status: criteria provided, single submitter. Criteria: ACMG Guidelines, 2015. Collection method: clinical testing. Allele origin: germline. Inheritance: Autosomal dominant inheritance. Observed: 1 variant allele, 1 heterozygote.
Comment: This study involves interpretation of variants in research participants for the purpose of population health screening. Participant phenotype was not available at the time of variant classification. Additional details can be found in publication PMID: 35346344, PMCID: PMC8962531